The following is an entry in ClinVar:

NM_001377.3(DYNC2H1):c.503G>A (p.Gly168Asp)

Gene: DYNC2H1 (dynein cytoplasmic 2 heavy chain 1; plus strand). Cytogenetic location: 11q22.3.
Variant type: single nucleotide variant.
Coding change: c.503G>A on transcript NM_001377.3 (MANE Select); coding-DNA position 503, G replaced by A.
Protein change: p.Gly168Asp; replaces glycine 168 with aspartic acid.
Molecular consequence: missense variant.
Genome position (GRCh38, 1-based): chr11:103,115,177, G>A. VCF-style: chr11-103115177-G-A. GRCh37 (hg19) VCF-style: chr11-102985906-G-A.
Other names: c.503G>A, p.Gly168Asp (NM_001080463.2); short protein forms G168D.
Identifiers: ClinVar variation 1718504 (VCV001718504.5), dbSNP rs759095555, ClinGen allele CA6252518.

ClinVar aggregate classification (germline): Uncertain significance (1 of 4 stars; one submission).

Conditions:
Jeune thoracic dystrophy. Also called: Jeune syndrome; Infantile thoracic dystrophy; Thoracic pelvic phalangeal dystrophy; Jeune's syndrome; Chondroectodermal dysplasia-like syndrome; Short-rib thoracic dysplasia. Identifiers: Orphanet 474, MedGen C0265275, MONDO:0018770.

Allele frequency attached by ClinVar (database versions not stated): gnomAD exomes below 0.00001; ExAC 0.00002.

Submission:

Labcorp Genetics (formerly Invitae), Labcorp
Classification: Uncertain significance for Jeune thoracic dystrophy. Last evaluated: 2024-05-20. Review status: criteria provided, single submitter. Criteria: Invitae Variant Classification Sherloc (09022015). Collection method: clinical testing. Allele origin: germline.
Comment: This sequence change replaces glycine, which is neutral and non-polar, with aspartic acid, which is acidic and polar, at codon 168 of the DYNC2H1 protein (p.Gly168Asp). The frequency data for this variant in the population databases is considered unreliable, as metrics indicate poor data quality at this position in the gnomAD database. This variant has not been reported in the literature in individuals affected with DYNC2H1-related conditions. ClinVar contains an entry for this variant (Variation ID: 1718504). An algorithm developed to predict the effect of missense changes on protein structure and function (PolyPhen-2) suggests that this variant is likely to be disruptive. In summary, the available evidence is currently insufficient to determine the role of this variant in disease. Therefore, it has been classified as a Variant of Uncertain Significance.